The following is an entry in ClinVar:

NM_001017995.3(SH3PXD2B):c.2653G>A (p.Gly885Ser)

Gene: SH3PXD2B (SH3 and PX domains 2B; minus strand). Cytogenetic location: 5q35.1.
Variant type: single nucleotide variant.
Coding change: c.2653G>A on transcript NM_001017995.3 (MANE Select); coding-DNA position 2653, G replaced by A.
Protein change: p.Gly885Ser; replaces glycine 885 with serine.
Molecular consequence: missense variant. On other transcripts: intron variant (1).
Genome position (GRCh38, 1-based): chr5:172,338,452, C>T on the plus strand (G>A on the coding strand, the complement: SH3PXD2B is on the minus strand). VCF-style: chr5-172338452-C-T. GRCh37 (hg19) VCF-style: chr5-171765456-C-T.
Other names: c.1188+7684G>A (NM_001308175.2); c.2653G>A (NM_001017995.2); short protein forms G885S.
Identifiers: ClinVar variation 2073960 (VCV002073960.2), dbSNP rs527543309, ClinGen allele CA3560919.

ClinVar aggregate classification (germline): Uncertain significance. Review status: criteria provided, multiple submitters, no conflicts (2 of 4 stars). 2 submissions from 2 submitters: Uncertain significance (2). Last evaluated 2023-11-17.

Conditions:
Inborn genetic diseases. Identifiers: MedGen C0950123, MeSH D030342.

Allele frequency attached by ClinVar (database versions not stated): ExAC 0.00001; gnomAD exomes 0.00002; gnomAD 0.00007; TOPMed 0.00014; 1000 Genomes Project 30x 0.00016; 1000 Genomes Project 0.00020.
gnomAD v4.1: 26 of 1,614,242 alleles (0.0016%); highest among the groups gnomAD compares: Admixed American, 0.037%; no homozygotes.

Submissions (2):

Ambry Genetics
Classification: Uncertain significance for Inborn genetic diseases. Last evaluated: 2023-11-17. Review status: criteria provided, single submitter. Criteria: Ambry Variant Classification Scheme 2023. Collection method: clinical testing. Allele origin: germline.

Labcorp Genetics (formerly Invitae), Labcorp
Classification: Uncertain significance. Last evaluated: 2022-05-12. Review status: criteria provided, single submitter. Criteria: Invitae Variant Classification Sherloc (09022015). Collection method: clinical testing. Allele origin: germline.
Comment: This sequence change replaces glycine, which is neutral and non-polar, with serine, which is neutral and polar, at codon 885 of the SH3PXD2B protein (p.Gly885Ser). This variant is present in population databases (rs527543309, gnomAD 0.006%). This variant has not been reported in the literature in individuals affected with SH3PXD2B-related conditions. Algorithms developed to predict the effect of missense changes on protein structure and function (SIFT, PolyPhen-2, Align-GVGD) all suggest that this variant is likely to be disruptive. In summary, the available evidence is currently insufficient to determine the role of this variant in disease. Therefore, it has been classified as a Variant of Uncertain Significance.